The following is an entry in ClinVar:

NM_000435.3(NOTCH3):c.1510T>A (p.Cys504Ser)

Gene: NOTCH3 (notch receptor 3; minus strand). Cytogenetic location: 19p13.12.
Variant type: single nucleotide variant.
Coding change: c.1510T>A on transcript NM_000435.3 (MANE Select); coding-DNA position 1510, T replaced by A.
Protein change: p.Cys504Ser; replaces cysteine 504 with serine.
Molecular consequence: missense variant.
Genome position (GRCh38, 1-based): chr19:15,187,977, A>T on the plus strand (T>A on the coding strand, the complement: NOTCH3 is on the minus strand). VCF-style: chr19-15187977-A-T. GRCh37 (hg19) VCF-style: chr19-15298788-A-T.
Other names: short protein forms C504S.
Identifiers: ClinVar variation 1376767 (VCV001376767.6), dbSNP rs2145434432, ClinGen allele CA404526590.

ClinVar aggregate classification (germline): Uncertain significance (1 of 4 stars; one submission).

Submission:

Labcorp Genetics (formerly Invitae), Labcorp
Classification: Uncertain significance. Last evaluated: 2021-08-21. Review status: criteria provided, single submitter. Criteria: Invitae Variant Classification Sherloc (09022015). Collection method: clinical testing. Allele origin: germline.
Comment: This sequence change replaces cysteine with serine at codon 504 of the NOTCH3 protein (p.Cys504Ser). The cysteine residue is highly conserved and there is a moderate physicochemical difference between cysteine and serine. This variant is not present in population databases (ExAC no frequency). This variant has not been reported in the literature in individuals affected with NOTCH3-related conditions. Algorithms developed to predict the effect of missense changes on protein structure and function (SIFT, PolyPhen-2, Align-GVGD) all suggest that this variant is likely to be disruptive. In summary, the available evidence is currently insufficient to determine the role of this variant in disease. Therefore, it has been classified as a Variant of Uncertain Significance.